The following is an entry in ClinVar:

ClinVar aggregate classification (germline): Benign (0 of 4 stars; one submission).

Conditions:
DCXR-related disorder. Also called: DCXR-related condition.

Allele frequency attached by ClinVar (database versions not stated): ExAC 0.13869; 1000 Genomes Project 0.21565; 1000 Genomes Project 30x 0.22377; gnomAD 0.24261; TOPMed 0.25262; ESP Exome Variant Server 0.26818.
gnomAD v4.1: 215,864 of 1,613,272 alleles (13%); highest among the groups gnomAD compares: African/African-American, 58%; 23,273 homozygotes.

Submission:

PreventionGenetics, part of Exact Sciences
Classification: Benign for DCXR-related condition. Last evaluated: 2019-10-28. Review status: no assertion criteria provided. Collection method: clinical testing. Allele origin: germline.
Comment: This variant is classified as benign based on ACMG/AMP sequence variant interpretation guidelines (Richards et al. 2015 PMID: 25741868, with internal and published modifications).

NM_016286.4(DCXR):c.345G>A (p.Ser115=)

Gene: DCXR (dicarbonyl and L-xylulose reductase; minus strand). Cytogenetic location: 17q25.3.
Variant type: single nucleotide variant.
Coding change: c.345G>A on transcript NM_016286.4 (MANE Select); coding-DNA position 345, G replaced by A.
Protein change: p.Ser115=; no amino-acid change (serine 115 retained).
Molecular consequence: synonymous variant.
Genome position (GRCh38, 1-based): chr17:82,036,724, C>T on the plus strand (G>A on the coding strand, the complement: DCXR is on the minus strand). VCF-style: chr17-82036724-C-T. GRCh37 (hg19) VCF-style: chr17-79994600-C-T.
Other names: c.339G>A, p.Ser113= (NM_001195218.1).
Identifiers: ClinVar variation 3055361 (VCV003055361.2), dbSNP rs9780, ClinGen allele CA8848705.
Genomic context (GRCh38, chr17:82,036,724, plus strand): 5'-TGAGGCAGAGCTGGCATCACTCACGAGAATTCCCGTCCAGCCCACAGGGCAGCTCACCTG[C>T]GACACCTGGATGACCGCACGCAGGTTCACCTCAAAGGATCTAGAGGCCGAGGGACAGACC-3'
Protein context (NP_057370.1, residues 105-125): EVNLRAVIQV[Ser115=]QIVARGLIAR